The following is an entry in ClinVar:

ClinVar aggregate classification (germline): Uncertain significance (1 of 4 stars; one submission).

Conditions:
Neonatal-onset encephalopathy with rigidity and seizures. Also called: Lethal neonatal spasticity-epileptic encephalopathy syndrome. Identifiers: Orphanet 435845, MedGen C3281029, MONDO:0013784, OMIM 614498.

Allele frequency attached by ClinVar (database versions not stated): TOPMed below 0.00001; gnomAD 0.00001; gnomAD exomes 0.00001; ExAC 0.00002; ESP Exome Variant Server 0.00008.
gnomAD v4.1: 8 of 1,598,136 alleles (0.0005%); highest among the groups gnomAD compares: South Asian, 0.0011%; no homozygotes.

Submission:

Labcorp Genetics (formerly Invitae), Labcorp
Classification: Uncertain significance for Neonatal-onset encephalopathy with rigidity and seizures. Last evaluated: 2022-04-12. Review status: criteria provided, single submitter. Criteria: Invitae Variant Classification Sherloc (09022015). Collection method: clinical testing. Allele origin: germline.
Comment: In summary, the available evidence is currently insufficient to determine the role of this variant in disease. Therefore, it has been classified as a Variant of Uncertain Significance. Algorithms developed to predict the effect of missense changes on protein structure and function are either unavailable or do not agree on the potential impact of this missense change (SIFT: "Deleterious"; PolyPhen-2: "Probably Damaging"; Align-GVGD: "Class C0"). This variant has not been reported in the literature in individuals affected with BRAT1-related conditions. This variant is present in population databases (rs148297849, gnomAD 0.003%). This sequence change replaces arginine, which is basic and polar, with tryptophan, which is neutral and slightly polar, at codon 621 of the BRAT1 protein (p.Arg621Trp).

NM_152743.4(BRAT1):c.1861C>T (p.Arg621Trp)

Gene: BRAT1 (BRCA1 associated ATM activator 1; minus strand). Cytogenetic location: 7p22.3.
Variant type: single nucleotide variant.
Coding change: c.1861C>T on transcript NM_152743.4 (MANE Select); coding-DNA position 1861, C replaced by T.
Protein change: p.Arg621Trp; replaces arginine 621 with tryptophan.
Molecular consequence: missense variant. On other transcripts: non-coding transcript variant (1).
Genome position (GRCh38, 1-based): chr7:2,538,674, G>A on the plus strand (C>T on the coding strand, the complement: BRAT1 is on the minus strand). VCF-style: chr7-2538674-G-A. GRCh37 (hg19) VCF-style: chr7-2578308-G-A.
Other names: c.2041C>T, p.Arg681Trp (NM_001350626.2); c.1336C>T, p.Arg446Trp (NM_001350627.2); short protein forms R446W, R621W, R681W.
Identifiers: ClinVar variation 1958476 (VCV001958476.5), dbSNP rs148297849, ClinGen allele CA4127540.
Genomic context (GRCh38, chr7:2,538,674, plus strand): 5'-CCTGCAGCACAGTGGCCACGAACTGCTCCGTGTCCTGGGCCGCGTCGGCGTGGCCGTCCC[G>A]CAGCCACTCAGTGAAGACTTGCATGACCGCCCGCCGTGGGAAGCCCTCCGAGTCTACGGA-3'
Protein context (NP_689956.2, residues 611-631): AVMQVFTEWL[Arg621Trp]DGHADAAQDT